The following is an entry in ClinVar:

ClinVar aggregate classification (germline): Conflicting classifications of pathogenicity. Review status: criteria provided, conflicting classifications (1 of 4 stars). 4 submissions from 4 submitters: Uncertain significance (1); Benign (1); Likely benign (2). Last evaluated 2026-02-03.

Conditions:
GM3 synthase deficiency (SPDRS). Also called: AMISH INFANTILE EPILEPSY SYNDROME; SALT AND PEPPER DEVELOPMENTAL REGRESSION SYNDROME; SALT AND PEPPER MENTAL RETARDATION SYNDROME. Identifiers: Orphanet 171714, Orphanet 370933, MedGen C1836824, MONDO:0018274, OMIM 609056.

Allele frequency attached by ClinVar (database versions not stated): TOPMed 0.00039; ESP Exome Variant Server 0.00046; gnomAD exomes 0.00072 and 0.00105; gnomAD 0.00097 and 0.00101; ExAC 0.00115.
gnomAD v4.1: 1,194 of 1,614,074 alleles (0.074%); highest among the groups gnomAD compares: South Asian, 0.069%; 1 homozygote.

Submissions (4):

Labcorp Genetics (formerly Invitae), Labcorp
Classification: Benign for GM3 synthase deficiency. Last evaluated: 2026-02-03. Review status: criteria provided, single submitter. Criteria: Invitae Variant Classification Sherloc (09022015). Collection method: clinical testing. Allele origin: germline.

CeGaT Center for Human Genetics Tuebingen
Classification: Likely benign. Last evaluated: 2025-12-01. Review status: criteria provided, single submitter. Criteria: CeGaT Center For Human Genetics Tuebingen Variant Classification Criteria Version 2. Collection method: clinical testing. Allele origin: germline. Affected: yes. Observed: 1 variant allele.
Comment: ST3GAL5: BP4, BP7

Blueprint Genetics
Classification: Likely benign. Last evaluated: 2024-10-14. Review status: criteria provided, single submitter. Criteria: ACMG Guidelines, 2015. Collection method: clinical testing. Allele origin: germline.

Illumina Laboratory Services, Illumina
Classification: Uncertain significance for GM3 synthase deficiency. Last evaluated: 2018-01-12. Review status: criteria provided, single submitter. Criteria: ICSL Variant Classification Criteria 13 December 2019. Collection method: clinical testing. Allele origin: germline.

NM_003896.4(ST3GAL5):c.390G>A (p.Ala130=)

Gene: ST3GAL5 (ST3 beta-galactoside alpha-2,3-sialyltransferase 5; minus strand). Cytogenetic location: 2p11.2.
Variant type: single nucleotide variant.
Coding change: c.390G>A on transcript NM_003896.4 (MANE Select); coding-DNA position 390, G replaced by A.
Protein change: p.Ala130=; no amino-acid change (alanine 130 retained).
Molecular consequence: synonymous variant. On other transcripts: 5 prime UTR variant (1).
Genome position (GRCh38, 1-based): chr2:85,848,133, C>T on the plus strand (G>A on the coding strand, the complement: ST3GAL5 is on the minus strand). VCF-style: chr2-85848133-C-T. GRCh37 (hg19) VCF-style: chr2-86075256-C-T.
Other names: c.321G>A, p.Ala107= (NM_001042437.2); c.6G>A, p.Ala2= (NM_001354223.2, NM_001354224.2, NM_001354226.2 and 3 more transcripts); c.306G>A, p.Ala102= (NM_001354227.2, NM_001354229.2, NM_001354238.1); c.-515G>A (NM_001354247.1); c.390G>A, p.Ala130= (NM_001363847.1).
Identifiers: ClinVar variation 464398 (VCV000464398.23), dbSNP rs144270260, ClinGen allele CA1745049.
Genomic context (GRCh38, chr2:85,848,133, plus strand): 5'-TTTGGGGGCCTTCTGCACAAAAGGGAGTAAGTCCACGCTATACCTGTGCTCAAATAACAG[C>T]GCCATTGATGTCTTGGCAAACTTGGGACGACATTCCTTCTGCAAGACTTGCTGAGCATAT-3'
Protein context (NP_003887.3, residues 120-140): CRPKFAKTSM[Ala130=]LLFEHRYSVD